The following is an entry in ClinVar:

ClinVar aggregate classification (germline): Conflicting classifications of pathogenicity. Review status: criteria provided, conflicting classifications (1 of 4 stars). 4 submissions from 4 submitters: Uncertain significance (1); Likely benign (3). Last evaluated 2026-08-13.

Conditions:
APC-related disorder. Also called: APC-related condition.
Familial adenomatous polyposis 1 (FAP1). Also called: FAMILIAL ADENOMATOUS POLYPOSIS 1, ATTENUATED; POLYPOSIS, ADENOMATOUS INTESTINAL. Identifiers: MedGen C2713442, MONDO:0021056, OMIM 175100. Disease mechanism: loss of function.

Allele frequency attached by ClinVar (database versions not stated): TOPMed 0.00006.
gnomAD v4.1: 92 of 892,224 alleles (0.01%); highest among the groups gnomAD compares: Non-Finnish European, 0.013%; no homozygotes.

Submissions (4):

PreventionGenetics, part of Exact Sciences
Classification: Likely benign for APC-related condition. Last evaluated: 2026-08-13. Review status: criteria provided, single submitter. Criteria: ACMG Guidelines, 2015. Collection method: clinical testing. Allele origin: germline.
Comment: This variant is classified as likely benign based on ACMG/AMP sequence variant interpretation guidelines (Richards et al. 2015 PMID: 25741868, with internal and published modifications).

Labcorp Genetics (formerly Invitae), Labcorp
Classification: Likely benign for Familial adenomatous polyposis 1. Last evaluated: 2026-01-24. Review status: criteria provided, single submitter. Criteria: Invitae Variant Classification Sherloc (09022015). Collection method: clinical testing. Allele origin: germline.

Center for Genomic Medicine, Rigshospitalet, Copenhagen University Hospital
Classification: Likely benign. Last evaluated: 2025-03-04. Review status: criteria provided, single submitter. Criteria: ACMG Guidelines, 2015. Collection method: clinical testing. Allele origin: germline.

CeGaT Center for Human Genetics Tuebingen
Classification: Uncertain significance. Last evaluated: 2018-06-01. Review status: criteria provided, single submitter. Criteria: CeGaT Center For Human Genetics Tuebingen Variant Classification Criteria Version 2. Collection method: clinical testing. Allele origin: germline. Affected: yes. Observed: 1 variant allele.

NM_001127511.3(APC):c.-140C>G

Gene: APC (APC regulator of Wnt signaling pathway; plus strand). Cytogenetic location: 5q22.2.
Variant type: single nucleotide variant.
Coding change: c.-140C>G on transcript NM_001127511.3; 140 bases upstream of the start codon, C replaced by G.
Molecular consequence: 5 prime UTR variant. On other transcripts: non-coding transcript variant (2).
Genome position (GRCh38, 1-based): chr5:112,707,578, C>G. VCF-style: chr5-112707578-C-G. GRCh37 (hg19) VCF-style: chr5-112043275-C-G.
Other names: c.-323C>G (NM_001354895.2, NM_001407447.1, NM_001407452.1 and 3 more transcripts); c.-140C>G (NM_001354897.2, NM_001354902.2, NM_001407446.1); c.-90C>G (NM_001407448.1, NM_001407450.1, NM_001407457.1 and 1 more transcripts); c.-114C>G (NM_001407453.1); c.-1358C>G (NM_001407470.1, NM_001407472.1).
Identifiers: ClinVar variation 469839 (VCV000469839.51), dbSNP rs775297664, ClinGen allele CA124924916.